The following is an entry in ClinVar:

ClinVar aggregate classification (germline): Uncertain significance. Review status: criteria provided, multiple submitters, no conflicts (2 of 4 stars). 2 submissions from 2 submitters: Uncertain significance (2). Last evaluated 2025-03-16.

Conditions:
Inborn genetic diseases. Identifiers: MedGen C0950123, MeSH D030342.

Allele frequency attached by ClinVar (database versions not stated): gnomAD exomes below 0.00001; TOPMed 0.00001.
gnomAD v4.1: 2 of 1,613,964 alleles (0.00012%); highest among the groups gnomAD compares: African/African-American, 0.0027%; no homozygotes.

Submissions (2):

Ambry Genetics
Classification: Uncertain significance for Inborn genetic diseases. Last evaluated: 2025-03-16. Review status: criteria provided, single submitter. Criteria: Ambry Variant Classification Scheme 2023. Collection method: clinical testing. Allele origin: germline.

GeneDx
Classification: Uncertain significance. Last evaluated: 2021-04-26. Review status: criteria provided, single submitter. Criteria: GeneDx Variant Classification Process June 2021. Collection method: clinical testing. Allele origin: germline. Affected: yes.
Comment: Not observed in large population cohorts (Lek et al., 2016); In silico analysis supports that this missense variant does not alter protein structure/function; Has not been previously published as pathogenic or benign to our knowledge

NM_025137.4(SPG11):c.1097T>G (p.Ile366Ser)

Gene: SPG11 (SPG11 vesicle trafficking associated, spatacsin; minus strand). Cytogenetic location: 15q21.1.
Variant type: single nucleotide variant.
Coding change: c.1097T>G on transcript NM_025137.4 (MANE Select); coding-DNA position 1097, T replaced by G.
Protein change: p.Ile366Ser; replaces isoleucine 366 with serine.
Molecular consequence: missense variant.
Genome position (GRCh38, 1-based): chr15:44,651,850, A>C on the plus strand (T>G on the coding strand, the complement: SPG11 is on the minus strand). VCF-style: chr15-44651850-A-C. GRCh37 (hg19) VCF-style: chr15-44944048-A-C.
Other names: c.1097T>G, p.Ile366Ser (NM_001160227.2); short protein forms I366S.
Identifiers: ClinVar variation 1314641 (VCV001314641.3), dbSNP rs2084790037, ClinGen allele CA392236597.